The following is an entry in ClinVar:

NM_000553.6(WRN):c.2613dup (p.Asp872fs)

Gene: WRN (WRN RecQ like helicase; plus strand). Cytogenetic location: 8p12.
Variant type: Duplication.
Coding change: c.2613dup on transcript NM_000553.6 (MANE Select); coding-DNA position 2613, one base duplicated (A; older notation c.2613dupA).
Protein change: p.Asp872fs; shifts the reading frame from aspartic acid 872.
Molecular consequence: frameshift variant.
Genome position (GRCh38, 1-based): chr8:31,120,407, A duplicated. VCF-style (leftmost placement, unchanged base first): chr8-31120406-C-CA. GRCh37 (hg19) VCF-style: chr8-30977922-C-CA.
Other names: short protein forms D872fs.
Identifiers: ClinVar variation 2968436 (VCV002968436.3), dbSNP rs2535986922, ClinGen allele CA2740094983.
Genomic context (GRCh38, chr8:31,120,406, plus strand): 5'-AGATTGGTAGAGCTGGTCGTGATGGACTTCAAAGTTCTTGTCACGTCCTCTGGGCTCCTG[C>CA]AGACATTAACTTAAATAGGTAAAAAAAATTTATTGTTTTTACTCTTGCAGATTTCTTTCT-3'

ClinVar aggregate classification (germline): Pathogenic (1 of 4 stars; one submission).

Conditions:
Werner syndrome (WRN). Identifiers: Orphanet 902, MedGen C0043119, MONDO:0010196, OMIM 277700.

Submission:

Labcorp Genetics (formerly Invitae), Labcorp
Classification: Pathogenic for Werner syndrome. Last evaluated: 2023-08-18. Review status: criteria provided, single submitter. Criteria: Invitae Variant Classification Sherloc (09022015). Collection method: clinical testing. Allele origin: germline.
Comment: This sequence change creates a premature translational stop signal (p.Asp872Argfs*3) in the WRN gene. It is expected to result in an absent or disrupted protein product. Loss-of-function variants in WRN are known to be pathogenic (PMID: 16673358). This variant is not present in population databases (gnomAD no frequency). This variant has not been reported in the literature in individuals affected with WRN-related conditions. For these reasons, this variant has been classified as Pathogenic.

Literature cited by the submitters: PubMed 16673358.